The following is an entry in ClinVar:

ClinVar aggregate classification (germline): Pathogenic (0 of 4 stars; one submission).

Conditions:
Bardet-Biedl syndrome 4 (BBS4). Identifiers: Orphanet 110, MedGen C2936864, MONDO:0014433, OMIM 615982.

Submission:

Medical Genetics Center, Maternal and Child Health Hospital of Hubei Province
Classification: Pathogenic for Bardet-Biedl syndrome 4. Last evaluated: 2026-05-14. Review status: no assertion criteria provided. Collection method: clinical testing. Allele origin: paternal. Affected: yes.
Comment: PVS1+ PM2_Supporting+PM3

NM_033028.5(BBS4):c.924T>A (p.Tyr308Ter)

Gene: BBS4 (Bardet-Biedl syndrome 4; plus strand). Cytogenetic location: 15q24.1.
Variant type: single nucleotide variant.
Coding change: c.924T>A on transcript NM_033028.5 (MANE Select); coding-DNA position 924, T replaced by A.
Protein change: p.Tyr308Ter; replaces tyrosine 308 with a stop codon.
Molecular consequence: nonsense. On other transcripts: non-coding transcript variant (2).
Genome position (GRCh38, 1-based): chr15:72,731,614, T>A. VCF-style: chr15-72731614-T-A. GRCh37 (hg19) VCF-style: chr15-73023955-T-A.
Other names: c.408T>A, p.Tyr136Ter (NM_001252678.2); c.855T>A, p.Tyr285Ter (NM_001320665.2); short protein forms Y136*, Y285*, Y308*.
Identifiers: ClinVar variation 4852525 (VCV004852525.1).
Genomic context (GRCh38, chr15:72,731,614, plus strand): 5'-GGCCATCAGCTGCCTGAAACGAGCCAACTACTTGGCACCCTTTGATTGGAAGATTCTGTA[T>A]AATTTGGGCCTTGTCCATTTGACCATGCAGCAGTATGCATCAGCTTTTCATTTTCTCAGT-3'